The following is an entry in ClinVar:

NM_172364.5(CACNA2D4):c.2095C>T (p.Leu699Phe)

Gene: CACNA2D4 (calcium voltage-gated channel auxiliary subunit alpha2delta 4; minus strand). Cytogenetic location: 12p13.33.
Variant type: single nucleotide variant.
Coding change: c.2095C>T on transcript NM_172364.5 (MANE Select); coding-DNA position 2095, C replaced by T.
Protein change: p.Leu699Phe; replaces leucine 699 with phenylalanine.
Molecular consequence: missense variant.
Genome position (GRCh38, 1-based): chr12:1,856,069, G>A on the plus strand (C>T on the coding strand, the complement: CACNA2D4 is on the minus strand). VCF-style: chr12-1856069-G-A. GRCh37 (hg19) VCF-style: chr12-1965235-G-A.
Other names: short protein forms L699F.
Identifiers: ClinVar variation 307854 (VCV000307854.43), dbSNP rs151121191, ClinGen allele CA6386845.

ClinVar aggregate classification (germline): Likely benign. Review status: criteria provided, multiple submitters, no conflicts (2 of 4 stars). 8 submissions from 8 submitters: Likely benign (6). 2 of the submissions do not count toward it. Last evaluated 2026-01-27.

Conditions:
Retinal cone dystrophy 4 (RCD4). Identifiers: Orphanet 1872, MedGen C1864849, MONDO:0012507, OMIM 610478.
CACNA2D4-related disorder. Also called: CACNA2D4-related condition.

Allele frequency attached by ClinVar (database versions not stated): gnomAD 0.00130 and 0.00135; TOPMed 0.00134; 1000 Genomes Project 0.00160; gnomAD exomes 0.00166 and 0.00245; ESP Exome Variant Server 0.00169; 1000 Genomes Project 30x 0.00172; ExAC 0.00174.
gnomAD v4.1: 3,767 of 1,614,032 alleles (0.23%); highest among the groups gnomAD compares: South Asian, 0.38%; 11 homozygotes.

Submissions (8):

Labcorp Genetics (formerly Invitae), Labcorp
Classification: Likely benign. Last evaluated: 2026-01-27. Review status: criteria provided, single submitter. Criteria: Invitae Variant Classification Sherloc (09022015). Collection method: clinical testing. Allele origin: germline.

Blueprint Genetics
Classification: Likely benign. Last evaluated: 2024-11-26. Review status: criteria provided, single submitter. Criteria: ACMG Guidelines, 2015. Collection method: clinical testing. Allele origin: germline.

CeGaT Center for Human Genetics Tuebingen
Classification: Likely benign. Last evaluated: 2024-08-01. Review status: criteria provided, single submitter. Criteria: CeGaT Center For Human Genetics Tuebingen Variant Classification Criteria Version 2. Collection method: clinical testing. Allele origin: germline. Affected: yes. Observed: 2 variant alleles.
Comment: CACNA2D4: BP4, BS2

Illumina Laboratory Services, Illumina
Classification: Likely benign for Retinal cone dystrophy 4. Last evaluated: 2018-01-13. Review status: criteria provided, single submitter. Criteria: ICSL Variant Classification Criteria 13 December 2019. Collection method: clinical testing. Allele origin: germline.
Comment: This variant was observed in the ICSL laboratory as part of a predisposition screen in an ostensibly healthy population. It had not been previously curated by ICSL or reported in the Human Gene Mutation Database (HGMD: prior to June 1st, 2018), and was therefore a candidate for classification through an automated scoring system. Utilizing variant allele frequency, disease prevalence and penetrance estimates, and inheritance mode, an automated score was calculated to assess if this variant is too frequent to cause the disease. Based on the score and internal cut-off values, a variant classified as likely benign is not then subjected to further curation. The score for this variant resulted in a classification of likely benign for this disease.

Eurofins Ntd Llc (ga)
Classification: Likely benign. Last evaluated: 2016-11-21. Review status: criteria provided, single submitter. Criteria: EGL Classification Definitions 2015. Collection method: clinical testing. Allele origin: germline. Observed: 1 variant allele.

Clinical Genetics DNA and cytogenetics Diagnostics Lab, Erasmus MC, Erasmus Medical Center
Classification: Likely benign for Retinal cone dystrophy 4. Last evaluated: 2016-06-20. Review status: criteria provided, single submitter. Criteria: ACGS Guidelines, 2013. Collection method: clinical testing. Allele origin: germline. Affected: yes. Study: VKGL Data-share Consensus.

PreventionGenetics, part of Exact Sciences
Classification: Likely benign for CACNA2D4-related condition. Last evaluated: 2020-08-07. Review status: no assertion criteria provided. Collection method: clinical testing. Allele origin: germline. Not counted in ClinVar's aggregate classification.
Comment: This variant is classified as likely benign based on ACMG/AMP sequence variant interpretation guidelines (Richards et al. 2015 PMID: 25741868, with internal and published modifications).

Clinical Genetics, Academic Medical Center
Classification: Benign. Review status: no assertion criteria provided. Collection method: clinical testing. Allele origin: germline. Affected: yes. Study: VKGL Data-share Consensus. Not counted in ClinVar's aggregate classification.